The following is an entry in ClinVar:

NM_006231.4(POLE):c.6176T>A (p.Leu2059His)

Gene: POLE (DNA polymerase epsilon, catalytic subunit; minus strand). Cytogenetic location: 12q24.33.
Variant type: single nucleotide variant.
Coding change: c.6176T>A on transcript NM_006231.4 (MANE Select); coding-DNA position 6176, T replaced by A.
Protein change: p.Leu2059His; replaces leucine 2059 with histidine.
Molecular consequence: missense variant.
Genome position (GRCh38, 1-based): chr12:132,632,469, A>T on the plus strand (T>A on the coding strand, the complement: POLE is on the minus strand). VCF-style: chr12-132632469-A-T. GRCh37 (hg19) VCF-style: chr12-133209055-A-T.
Other names: short protein forms L2059H.
Identifiers: ClinVar variation 5027092 (VCV005027092.1).

ClinVar aggregate classification (germline): Uncertain significance (1 of 4 stars; one submission).

Conditions:
Hereditary cancer-predisposing syndrome. Also called: Neoplastic Syndromes, Hereditary; Tumor predisposition; Hereditary neoplastic syndrome; Hereditary Cancer Syndrome. Identifiers: Orphanet 140162, MedGen C0027672, MeSH D009386, MONDO:0015356.

Submission:

Ambry Genetics
Classification: Uncertain significance for Hereditary cancer-predisposing syndrome. Last evaluated: 2026-07-25. Review status: criteria provided, single submitter. Criteria: Ambry Variant Classification Scheme 2023. Collection method: clinical testing. Allele origin: germline.
Comment: The p.L2059H variant (also known as c.6176T>A), located in coding exon 45 of the POLE gene, results from a T to A substitution at nucleotide position 6176. The leucine at codon 2059 is replaced by histidine, an amino acid with similar properties. This amino acid position is conserved. In addition, the in silico prediction for this alteration is inconclusive. Based on the available evidence, the clinical significance of this variant remains unclear.